The following is an entry in ClinVar:

NM_152564.5(VPS13B):c.6749A>G (p.Gln2250Arg)

Gene: VPS13B (vacuolar protein sorting 13 homolog B; plus strand). Cytogenetic location: 8q22.2.
Variant type: single nucleotide variant.
Coding change: c.6749A>G on transcript NM_152564.5 (MANE Select); coding-DNA position 6749, A replaced by G.
Protein change: p.Gln2250Arg; replaces glutamine 2250 with arginine.
Molecular consequence: missense variant.
Genome position (GRCh38, 1-based): chr8:99,720,436, A>G. VCF-style: chr8-99720436-A-G. GRCh37 (hg19) VCF-style: chr8-100732664-A-G.
Other names: c.6824A>G, p.Gln2275Arg (NM_017890.5); short protein forms Q2250R, Q2275R.
Identifiers: ClinVar variation 4987003 (VCV004987003.1).

ClinVar aggregate classification (germline): Uncertain significance (1 of 4 stars; one submission).

Conditions:
VPS13B-related disorder. Also called: VPS13B-related condition.

Submission:

PreventionGenetics, part of Exact Sciences
Classification: Uncertain significance for VPS13B-related condition. Last evaluated: 2025-07-08. Review status: criteria provided, single submitter. Criteria: ACMG Guidelines, 2015. Collection method: clinical testing. Allele origin: germline.
Comment: The VPS13B c.6749A>G variant is predicted to result in the amino acid substitution p.Gln2250Arg. To our knowledge, this variant has not been reported in the literature or in a large population database (gnomAD), indicating this variant is rare. At this time, the clinical significance of this variant is uncertain due to the absence of conclusive functional and genetic evidence.